The following is an entry in ClinVar:

NM_004714.3(DYRK1B):c.113G>A (p.Arg38Gln)

Gene: DYRK1B (dual specificity tyrosine phosphorylation regulated kinase 1B; minus strand). Cytogenetic location: 19q13.2.
Variant type: single nucleotide variant.
Coding change: c.113G>A on transcript NM_004714.3 (MANE Select); coding-DNA position 113, G replaced by A.
Protein change: p.Arg38Gln; replaces arginine 38 with glutamine.
Molecular consequence: missense variant.
Genome position (GRCh38, 1-based): chr19:39,830,734, C>T on the plus strand (G>A on the coding strand, the complement: DYRK1B is on the minus strand). VCF-style: chr19-39830734-C-T. GRCh37 (hg19) VCF-style: chr19-40321374-C-T.
Other names: c.113G>A, p.Arg38Gln (NM_006483.3, NM_006484.3); short protein forms R38Q.
Identifiers: ClinVar variation 4982730 (VCV004982730.1).

ClinVar aggregate classification (germline): Uncertain significance (1 of 4 stars; one submission).

Conditions:
DYRK1B-related disorder. Also called: DYRK1B-related condition.

gnomAD v4.1: 6 of 1,614,084 alleles (0.00037%); highest among the groups gnomAD compares: South Asian, 0.0011%; no homozygotes.

Submission:

PreventionGenetics, part of Exact Sciences
Classification: Uncertain significance for DYRK1B-related condition. Last evaluated: 2026-08-03. Review status: criteria provided, single submitter. Criteria: ACMG Guidelines, 2015. Collection method: clinical testing. Allele origin: germline.
Comment: The DYRK1B c.113G>A variant is predicted to result in the amino acid substitution p.Arg38Gln. To our knowledge, this variant has not been reported in the literature or in a large population database (gnomAD), indicating this variant is rare. At this time, the clinical significance of this variant is uncertain due to the absence of conclusive functional and genetic evidence.